The following is an entry in ClinVar:

NM_005562.3(LAMC2):c.505dup (p.Cys169fs)

Gene: LAMC2 (laminin subunit gamma 2; plus strand). Cytogenetic location: 1q25.3.
Variant type: Duplication.
Coding change: c.505dup on transcript NM_005562.3 (MANE Select); coding-DNA position 505, one base duplicated (T; older notation c.505dupT).
Protein change: p.Cys169fs; shifts the reading frame from cysteine 169.
Molecular consequence: frameshift variant.
Genome position (GRCh38, 1-based): chr1:183,220,826, T duplicated. VCF-style (leftmost placement, unchanged base first): chr1-183220825-G-GT. GRCh37 (hg19) VCF-style: chr1-183189960-G-GT.
Other names: c.505dup, p.Cys169fs (NM_018891.3); short protein forms C169fs.
Identifiers: ClinVar variation 5013880 (VCV005013880.1).

ClinVar aggregate classification (germline): Pathogenic (1 of 4 stars; one submission).

Conditions:
Junctional epidermolysis bullosa. Identifiers: Orphanet 305, MedGen C0079301, MONDO:0017612.

Submission:

Myriad Genetics, Inc.
Classification: Pathogenic for Junctional epidermolysis bullosa. Last evaluated: 2024-12-22. Review status: criteria provided, single submitter. Criteria: Myriad Autosomal Dominant, Autosomal Recessive and X-Linked Classification Criteria (2023). Collection method: clinical testing. Allele origin: unknown.
Comment: NM_005562.2(LAMC2):c.505dupT(C169Lfs*7) is expected to be pathogenic in the context of junctional epidermolysis bullosa, LAMC2-related. This variant is predicted to lead to an abnormal or absent protein product due to the creation of a premature termination codon in LAMC2, a gene where loss-of-function variants are known to be pathogenic. Please note: this variant was assessed in the context of healthy population screening.